The following is an entry in ClinVar:

NM_032409.3(PINK1):c.1488+1G>A

Genes: PINK1 (PTEN induced kinase 1; plus strand), PINK1-AS (PINK1 antisense RNA; minus strand). Cytogenetic location: 1p36.12.
Variant type: single nucleotide variant.
Coding change: c.1488+1G>A on transcript NM_032409.3 (MANE Select); the canonical splice donor site of the intron after coding-DNA position 1488, G replaced by A.
Molecular consequence: splice donor variant. On other transcripts: non-coding transcript variant (1).
Genome position (GRCh38, 1-based): chr1:20,649,232, G>A. VCF-style: chr1-20649232-G-A. GRCh37 (hg19) VCF-style: chr1-20975725-G-A.
Identifiers: ClinVar variation 961640 (VCV000961640.8), dbSNP rs2053233432, ClinGen allele CA338838858.

ClinVar aggregate classification (germline): Pathogenic (1 of 4 stars; one submission).

Conditions:
Autosomal recessive early-onset Parkinson disease 6 (PARK6). Also called: PARKINSON DISEASE 6, MODIFIER OF; PARKINSON DISEASE 6, EARLY-ONSET; PINK1-Related Parkinson Disease; PINK1 Type of Young-Onset Parkinson Disease. Identifiers: Orphanet 2828, MedGen C1853833, MONDO:0011613, OMIM 605909.

Allele frequency attached by ClinVar (database versions not stated): gnomAD exomes below 0.00001; gnomAD 0.00001; TOPMed 0.00001.

Submission:

Labcorp Genetics (formerly Invitae), Labcorp
Classification: Pathogenic for Autosomal recessive early-onset Parkinson disease 6. Last evaluated: 2025-09-10. Review status: criteria provided, single submitter. Criteria: Invitae Variant Classification Sherloc (09022015). Collection method: clinical testing. Allele origin: germline.
Comment: This sequence change affects a donor splice site in intron 7 of the PINK1 gene. While this variant is not anticipated to result in nonsense mediated decay, it likely alters RNA splicing and results in a disrupted protein product. This variant is not present in population databases (gnomAD no frequency). Disruption of this splice site has been observed in individual(s) with Parkinson disease (PMID: 20356854). In at least one individual the data is consistent with being in trans (on the opposite chromosome) from a pathogenic variant. It has also been observed to segregate with disease in related individuals. ClinVar contains an entry for this variant (Variation ID: 961640). Variants that disrupt the consensus splice site are a relatively common cause of aberrant splicing (PMID: 17576681, 9536098). Studies have shown that disruption of this splice site is associated with altered splicing resulting in multiple RNA products (PMID: 20356854, 27574110). For these reasons, this variant has been classified as Pathogenic.

Literature cited by the submitters: PubMed 20356854; PubMed 17576681; PubMed 9536098; PubMed 27574110.